The following is an entry in ClinVar:

NM_001040108.2(MLH3):c.1809A>T (p.Leu603Phe)

Gene: MLH3 (mutL homolog 3; minus strand). Cytogenetic location: 14q24.3.
Variant type: single nucleotide variant.
Coding change: c.1809A>T on transcript NM_001040108.2 (MANE Select); coding-DNA position 1809, A replaced by T.
Protein change: p.Leu603Phe; replaces leucine 603 with phenylalanine.
Molecular consequence: missense variant.
Genome position (GRCh38, 1-based): chr14:75,047,847, T>A on the plus strand (A>T on the coding strand, the complement: MLH3 is on the minus strand). VCF-style: chr14-75047847-T-A. GRCh37 (hg19) VCF-style: chr14-75514550-T-A.
Other names: c.1809A>T, p.Leu603Phe (NM_014381.3); short protein forms L603F.
Identifiers: ClinVar variation 3295148 (VCV003295148.1).

ClinVar aggregate classification (germline): Uncertain significance (1 of 4 stars; one submission).

gnomAD v4.1: 1 of 1,613,100 alleles (0.000062%); highest among the groups gnomAD compares: Non-Finnish European, 0.000085%; no homozygotes.

Submission:

Ambry Genetics
Classification: Uncertain significance. Last evaluated: 2024-05-24. Review status: criteria provided, single submitter. Criteria: Ambry Variant Classification Scheme 2023. Collection method: clinical testing. Allele origin: germline.
Comment: The p.L603F variant (also known as c.1809A>T), located in coding exon 1 of the MLH3 gene, results from an A to T substitution at nucleotide position 1809. The leucine at codon 603 is replaced by phenylalanine, an amino acid with highly similar properties. This amino acid position is conserved. In addition, this alteration is predicted to be tolerated by in silico analysis. Based on the available evidence, the clinical significance of this variant remains unclear.